The following is an entry in ClinVar:

NM_002778.4(PSAP):c.578A>G (p.Asp193Gly)

Gene: PSAP (prosaposin; minus strand). Cytogenetic location: 10q22.1.
Variant type: single nucleotide variant.
Coding change: c.578A>G on transcript NM_002778.4 (MANE Select); coding-DNA position 578, A replaced by G.
Protein change: p.Asp193Gly; replaces aspartic acid 193 with glycine.
Molecular consequence: missense variant.
Genome position (GRCh38, 1-based): chr10:71,828,156, T>C on the plus strand (A>G on the coding strand, the complement: PSAP is on the minus strand). VCF-style: chr10-71828156-T-C. GRCh37 (hg19) VCF-style: chr10-73587913-T-C.
Other names: c.578A>G, p.Asp193Gly (NM_001042465.3, NM_001042466.3); short protein forms D193G.
Identifiers: ClinVar variation 991972 (VCV000991972.11), dbSNP rs138636858, ClinGen allele CA5547722.

ClinVar aggregate classification (germline): Likely benign. Review status: criteria provided, single submitter (1 of 4 stars). 3 submissions from 3 submitters: Likely benign (1). 2 of the submissions do not count toward it. Last evaluated 2026-02-04.

Conditions:
Metachromatic leukodystrophy (MLD). Also called: ARSA DEFICIENCY; CEREBROSIDE SULFATASE DEFICIENCY; METACHROMATIC LEUKOENCEPHALOPATHY; Cerebral sclerosis diffuse metachromatic form; Arylsulfatase A Deficiency; SULFATIDE LIPIDOSIS. Identifiers: Orphanet 512, MedGen C0023522, MONDO:0018868, OMIM 250100.
Sphingolipid activator protein 1 deficiency. Also called: METACHROMATIC LEUKODYSTROPHY DUE TO CEREBROSIDE SULFATASE ACTIVATOR DEFICIENCY; Metachromatic leukodystrophy due to saposin B deficiency; Saposin B Deficiency. Identifiers: Orphanet 512, MedGen C0268262, MONDO:0009590, OMIM 249900.

Allele frequency attached by ClinVar (database versions not stated): ExAC 0.00032; TOPMed 0.00034; gnomAD 0.00036 and 0.00038; gnomAD exomes 0.00040 and 0.00068; ESP Exome Variant Server 0.00046.
gnomAD v4.1: 1,054 of 1,614,150 alleles (0.065%); highest among the groups gnomAD compares: South Asian, 0.12%; 3 homozygotes.

Submissions (5):

Labcorp Genetics (formerly Invitae), Labcorp
Classification: Likely benign for Sphingolipid activator protein 1 deficiency. Last evaluated: 2026-02-04. Review status: criteria provided, single submitter. Criteria: Invitae Variant Classification Sherloc (09022015). Collection method: clinical testing. Allele origin: germline.

Natera, Inc.
Classification: Likely benign for Metachromatic leukodystrophy. Last evaluated: 2020-08-28. Review status: no assertion criteria provided. Collection method: clinical testing. Allele origin: germline. Not counted in ClinVar's aggregate classification.

Department of Pathology and Laboratory Medicine, Sinai Health System
Classification: Uncertain significance. Review status: no assertion criteria provided. Collection method: clinical testing. Allele origin: unknown. Affected: yes. Study: The Canadian Open Genetics Repository (COGR). Not counted in ClinVar's aggregate classification.
Comment: The PSAP p.D193G variant was not identified in the literature nor was it identified in ClinVar or Cosmic. The variant was identified in dbSNP (ID: rs138636858), LOVD 3.0 (classified as likely benign), and identified in control databases in 108 of 282888 chromosomes (1 homozygous) at a frequency of 0.0003818 increasing the likelihood this could be a low frequency benign variant (Genome Aggregation Database March 6, 2019, v2.1.1). The variant was observed in the following populations: South Asian in 35 of 30616 chromosomes (freq: 0.001143), Other in 4 of 7226 chromosomes (freq: 0.000554), European (non-Finnish) in 62 of 129188 chromosomes (freq: 0.00048), African in 5 of 24970 chromosomes (freq: 0.0002) and Latino in 2 of 35440 chromosomes (freq: 0.000056), but was not observed in the Ashkenazi Jewish, East Asian, or European (Finnish) populations. The p.Asp193 residue is not conserved in mammals and four out of five computational analyses (PolyPhen-2, SIFT, AlignGVGD, BLOSUM, MutationTaster) do not suggest a high likelihood of impact to the protein; however, this information is not predictive enough to rule out pathogenicity. The variant occurs outside of the splicing consensus sequence and three of four in silico or computational prediction software programs (SpliceSiteFinder, MaxEntScan, NNSPLICE, GeneSplicer) predict a greater than 10% difference in splicing, i.e. the creation of a new 5â€šÃ„Ã´ splice site. In summary, based on the above information the clinical significance of this variant cannot be determined with certainty at this time. This variant is classified as a variant of uncertain significance.

Dr. Peter K. Rogan Lab, Western University
No classification provided (evidence only). Condition: Lung cancer. Review status: no classification provided. Collection method: in vitro. Allele origin: not applicable. Functional consequence: skipped exon. Not counted in ClinVar's aggregate classification.

Dr. Peter K. Rogan Lab, Western University
No classification provided (evidence only). Condition: Cervical cancer. Review status: no classification provided. Collection method: in vitro. Allele origin: not applicable. Functional consequence: skipped exon. Not counted in ClinVar's aggregate classification.